The following is an entry in ClinVar:

NM_001378414.1(HDAC4):c.1771C>G (p.Gln591Glu)

Gene: HDAC4 (histone deacetylase 4; minus strand). Cytogenetic location: 2q37.3.
Variant type: single nucleotide variant.
Coding change: c.1771C>G on transcript NM_001378414.1 (MANE Select); coding-DNA position 1771, C replaced by G.
Protein change: p.Gln591Glu; replaces glutamine 591 with glutamic acid.
Molecular consequence: missense variant.
Genome position (GRCh38, 1-based): chr2:239,115,073, G>C on the plus strand (C>G on the coding strand, the complement: HDAC4 is on the minus strand). VCF-style: chr2-239115073-G-C. GRCh37 (hg19) VCF-style: chr2-240036769-G-C.
Other names: c.1771C>G, p.Gln591Glu (NM_001378415.1); c.1756C>G, p.Gln586Glu (NM_001378416.1, NM_001378417.1, NM_006037.4); short protein forms Q586E, Q591E.
Identifiers: ClinVar variation 3392885 (VCV003392885.3).

ClinVar aggregate classification (germline): Conflicting classifications of pathogenicity. Review status: criteria provided, conflicting classifications (1 of 4 stars). 3 submissions from 3 submitters: Uncertain significance (2); Likely benign (1). Last evaluated 2025-11-18.

Conditions:
Inborn genetic diseases. Identifiers: MedGen C0950123, MeSH D030342.

gnomAD v4.1: 14 of 1,611,014 alleles (0.00087%); highest among the groups gnomAD compares: Admixed American, 0.022%; no homozygotes.

Submissions (3):

Labcorp Genetics (formerly Invitae), Labcorp
Classification: Uncertain significance. Last evaluated: 2025-11-18. Review status: criteria provided, single submitter. Criteria: Invitae Variant Classification Sherloc (09022015). Collection method: clinical testing. Allele origin: germline.
Comment: This sequence change replaces glutamine, which is neutral and polar, with glutamic acid, which is acidic and polar, at codon 586 of the HDAC4 protein (p.Gln586Glu). This variant is present in population databases (rs780401902, gnomAD 0.03%). This variant has not been reported in the literature in individuals affected with HDAC4-related conditions. ClinVar contains an entry for this variant (Variation ID: 3392885). An algorithm developed to predict the effect of missense changes on protein structure and function (PolyPhen-2) suggests that this variant is likely to be tolerated. In summary, the available evidence is currently insufficient to determine the role of this variant in disease. Therefore, it has been classified as a Variant of Uncertain Significance.

Ambry Genetics
Classification: Likely benign for Inborn genetic diseases. Last evaluated: 2025-10-18. Review status: criteria provided, single submitter. Criteria: Ambry Variant Classification Scheme 2023. Collection method: clinical testing. Allele origin: germline.

GeneDx
Classification: Uncertain significance. Last evaluated: 2024-06-27. Review status: criteria provided, single submitter. Criteria: GeneDx Variant Classification Process June 2021. Collection method: clinical testing. Allele origin: germline. Affected: yes.
Comment: In silico analysis indicates that this missense variant does not alter protein structure/function; Has not been previously published as pathogenic or benign to our knowledge